The following is an entry in ClinVar:

ClinVar aggregate classification (germline): Likely benign. Review status: criteria provided, single submitter (1 of 4 stars). 2 submissions from 2 submitters: Likely benign (1). 1 of the submissions does not count toward it. Last evaluated 2025-03-05.

Conditions:
NNT-related disorder. Also called: NNT-related condition.

Allele frequency attached by ClinVar (database versions not stated): ExAC 0.00001; ESP Exome Variant Server 0.00008; gnomAD 0.00009; TOPMed 0.00018.
gnomAD v4.1: 23 of 1,614,024 alleles (0.0014%); highest among the groups gnomAD compares: African/African-American, 0.021%; no homozygotes.

Submissions (2):

Labcorp Genetics (formerly Invitae), Labcorp
Classification: Likely benign. Last evaluated: 2025-03-05. Review status: criteria provided, single submitter. Criteria: Invitae Variant Classification Sherloc (09022015). Collection method: clinical testing. Allele origin: germline.

PreventionGenetics, part of Exact Sciences
Classification: Likely benign for NNT-related condition. Last evaluated: 2019-03-06. Review status: no assertion criteria provided. Collection method: clinical testing. Allele origin: germline. Not counted in ClinVar's aggregate classification.
Comment: This variant is classified as likely benign based on ACMG/AMP sequence variant interpretation guidelines (Richards et al. 2015 PMID: 25741868, with internal and published modifications).

NM_182977.3(NNT):c.57T>C (p.Asn19=)

Gene: NNT (nicotinamide nucleotide transhydrogenase; plus strand). Cytogenetic location: 5p12.
Variant type: single nucleotide variant.
Coding change: c.57T>C on transcript NM_182977.3 (MANE Select); coding-DNA position 57, T replaced by C.
Protein change: p.Asn19=; no amino-acid change (asparagine 19 retained).
Molecular consequence: synonymous variant. On other transcripts: 5 prime UTR variant (1).
Genome position (GRCh38, 1-based): chr5:43,609,252, T>C. VCF-style: chr5-43609252-T-C. GRCh37 (hg19) VCF-style: chr5-43609354-T-C.
Other names: c.-107T>C (NM_001331026.2); c.57T>C, p.Asn19= (NM_012343.4); c.57T>C (NM_012343.3).
Identifiers: ClinVar variation 2042054 (VCV002042054.6), dbSNP rs372097869, ClinGen allele CA3257611.